The following is an entry in ClinVar:

NM_005982.4(SIX1):c.428A>G (p.Tyr143Cys)

Gene: SIX1 (SIX homeobox 1; minus strand). Cytogenetic location: 14q23.1.
Variant type: single nucleotide variant.
Coding change: c.428A>G on transcript NM_005982.4 (MANE Select); coding-DNA position 428, A replaced by G.
Protein change: p.Tyr143Cys; replaces tyrosine 143 with cysteine.
Molecular consequence: missense variant.
Genome position (GRCh38, 1-based): chr14:60,648,762, T>C on the plus strand (A>G on the coding strand, the complement: SIX1 is on the minus strand). VCF-style: chr14-60648762-T-C. GRCh37 (hg19) VCF-style: chr14-61115480-T-C.
Other names: c.428A>G, p.Tyr143Cys (NM_001425142.1); short protein forms Y143C.
Identifiers: ClinVar variation 2944353 (VCV002944353.3), dbSNP rs2502643803, ClinGen allele CA389910331.
Genomic context (GRCh38, chr14:60,648,762, plus strand): 5'-AGGCCGGTGGCCTCGGCCAGCTCCCGCTTCTCACGCGGCGATGGGTAGGGATTGTGCGCG[T>C]ACCACTCCCGCAGGACACCCCTCGACTTCTCCTTGAAGCAGTAGCTGGTCTCCTCGCCGT-3'
Protein context (NP_005973.1, residues 133-153): EKSRGVLREW[Tyr143Cys]AHNPYPSPRE

ClinVar aggregate classification (germline): Uncertain significance (1 of 4 stars; one submission).

Conditions:
Branchiootic syndrome 3 (BOS3). Also called: BO SYNDROME 3. Identifiers: MedGen C1842124, MONDO:0012025, OMIM 608389.
Autosomal dominant nonsyndromic hearing loss 23. Identifiers: Orphanet 90635, MedGen C1854594, MONDO:0011519, OMIM 605192.

Submission:

Labcorp Genetics (formerly Invitae), Labcorp
Classification: Uncertain significance for Autosomal dominant nonsyndromic hearing loss 23; Branchiootic syndrome 3. Last evaluated: 2023-08-19. Review status: criteria provided, single submitter. Criteria: Invitae Variant Classification Sherloc (09022015). Collection method: clinical testing. Allele origin: germline.
Comment: In summary, the available evidence is currently insufficient to determine the role of this variant in disease. Therefore, it has been classified as a Variant of Uncertain Significance. Advanced modeling of protein sequence and biophysical properties (such as structural, functional, and spatial information, amino acid conservation, physicochemical variation, residue mobility, and thermodynamic stability) performed at Invitae indicates that this missense variant is expected to disrupt SIX1 protein function. This variant has not been reported in the literature in individuals affected with SIX1-related conditions. This variant is not present in population databases (gnomAD no frequency). This sequence change replaces tyrosine, which is neutral and polar, with cysteine, which is neutral and slightly polar, at codon 143 of the SIX1 protein (p.Tyr143Cys).